The following is an entry in ClinVar:

NM_000135.4(FANCA):c.15G>C (p.Trp5Cys)

Genes: FANCA (FA complementation group A; minus strand), LOC112486223 (Sharpr-MPRA regulatory region 3988; plus strand). Cytogenetic location: 16q24.3.
Variant type: single nucleotide variant.
Coding change: c.15G>C on transcript NM_000135.4 (MANE Select); coding-DNA position 15, G replaced by C.
Protein change: p.Trp5Cys; replaces tryptophan 5 with cysteine.
Molecular consequence: missense variant.
Genome position (GRCh38, 1-based): chr16:89,816,601, C>G on the plus strand (G>C on the coding strand, the complement: FANCA is on the minus strand). VCF-style: chr16-89816601-C-G. GRCh37 (hg19) VCF-style: chr16-89883009-C-G.
Other names: c.15G>C, p.Trp5Cys (NM_001018112.3, NM_001286167.3, NM_001351830.2); short protein forms W5C.
Identifiers: ClinVar variation 1063004 (VCV001063004.9), dbSNP rs2143731999, ClinGen allele CA397484618.

ClinVar aggregate classification (germline): Uncertain significance (1 of 4 stars; one submission).

Conditions:
Fanconi anemia (FA). Also called: Fanconi's anemia. Identifiers: Orphanet 84, MedGen C0015625, MeSH D005199, MONDO:0019391.

Submission:

Labcorp Genetics (formerly Invitae), Labcorp
Classification: Uncertain significance for Fanconi anemia. Last evaluated: 2020-06-09. Review status: criteria provided, single submitter. Criteria: Invitae Variant Classification Sherloc (09022015). Collection method: clinical testing. Allele origin: germline.
Comment: This sequence change replaces tryptophan with cysteine at codon 5 of the FANCA protein (p.Trp5Cys). The tryptophan residue is weakly conserved and there is a large physicochemical difference between tryptophan and cysteine. The frequency data for this variant in the population databases is considered unreliable, as metrics indicate insufficient coverage at this position in the ExAC database. This variant has not been reported in the literature in individuals with FANCA-related conditions. Algorithms developed to predict the effect of missense changes on protein structure and function (SIFT, PolyPhen-2, Align-GVGD) all suggest that this variant is likely to be tolerated, but these predictions have not been confirmed by published functional studies and their clinical significance is uncertain. In summary, the available evidence is currently insufficient to determine the role of this variant in disease. Therefore, it has been classified as a Variant of Uncertain Significance.